The following is an entry in ClinVar:

ClinVar aggregate classification (germline): Uncertain significance (1 of 4 stars; one submission).

Conditions:
Emery-Dreifuss muscular dystrophy 4, autosomal dominant (EDMD4). Also called: EMERY-DREIFUSS MUSCULAR DYSTROPHY 4 WITH VARIABLE FEATURES. Identifiers: Orphanet 261, MedGen C2751807, MONDO:0013071, OMIM 612998.
Autosomal recessive ataxia, Beauce type. Also called: Spinocerebellar ataxia, autosomal recessive 8; ATAXIA, RECESSIVE, OF BEAUCE; SYNE1 Deficiency; SYNE1-Related Autosomal Recessive Cerebellar Ataxia. Identifiers: Orphanet 88644, MedGen C1853116, MONDO:0012549, OMIM 610743.

Allele frequency attached by ClinVar (database versions not stated): gnomAD exomes below 0.00001; gnomAD 0.00001.
gnomAD v4.1: 5 of 1,614,048 alleles (0.00031%); highest among the groups gnomAD compares: Admixed American, 0.0033%; no homozygotes.

Submission:

Labcorp Genetics (formerly Invitae), Labcorp
Classification: Uncertain significance for Emery-Dreifuss muscular dystrophy 4, autosomal dominant; Autosomal recessive ataxia, Beauce type. Last evaluated: 2024-04-30. Review status: criteria provided, single submitter. Criteria: Invitae Variant Classification Sherloc (09022015). Collection method: clinical testing. Allele origin: germline.
Comment: This sequence change replaces arginine, which is basic and polar, with serine, which is neutral and polar, at codon 7827 of the SYNE1 protein (p.Arg7827Ser). This variant is present in population databases (no rsID available, gnomAD no frequency). This variant has not been reported in the literature in individuals affected with SYNE1-related conditions. ClinVar contains an entry for this variant (Variation ID: 1438754). An algorithm developed to predict the effect of missense changes on protein structure and function (PolyPhen-2) suggests that this variant is likely to be disruptive. In summary, the available evidence is currently insufficient to determine the role of this variant in disease. Therefore, it has been classified as a Variant of Uncertain Significance.

NM_182961.4(SYNE1):c.23694G>T (p.Arg7898Ser)

Gene: SYNE1 (spectrin repeat containing nuclear envelope protein 1; minus strand). Cytogenetic location: 6q25.2.
Variant type: single nucleotide variant.
Coding change: c.23694G>T on transcript NM_182961.4 (MANE Select); coding-DNA position 23694, G replaced by T.
Protein change: p.Arg7898Ser; replaces arginine 7898 with serine.
Molecular consequence: missense variant.
Genome position (GRCh38, 1-based): chr6:152,164,259, C>A on the plus strand (G>T on the coding strand, the complement: SYNE1 is on the minus strand). VCF-style: chr6-152164259-C-A. GRCh37 (hg19) VCF-style: chr6-152485394-C-A.
Other names: c.300G>T, p.Arg100Ser (NM_001347701.2); c.159G>T, p.Arg53Ser (NM_001347702.2); c.23481G>T, p.Arg7827Ser (NM_033071.5); short protein forms R100S, R7898S, R7827S, R53S.
Identifiers: ClinVar variation 1438754 (VCV001438754.8), dbSNP rs1028548586, ClinGen allele CA150185926.